The following is an entry in ClinVar:

NM_018941.4(CLN8):c.716C>T (p.Ala239Val)

Gene: CLN8 (CLN8 transmembrane ER and ERGIC protein; plus strand). Cytogenetic location: 8p23.3.
Variant type: single nucleotide variant.
Coding change: c.716C>T on transcript NM_018941.4 (MANE Select); coding-DNA position 716, C replaced by T.
Protein change: p.Ala239Val; replaces alanine 239 with valine.
Molecular consequence: missense variant.
Genome position (GRCh38, 1-based): chr8:1,780,422, C>T. VCF-style: chr8-1780422-C-T. GRCh37 (hg19) VCF-style: chr8-1728588-C-T.
Other names: short protein forms A239V.
Identifiers: ClinVar variation 949717 (VCV000949717.6), dbSNP rs913988013, ClinGen allele CA170448676.

ClinVar aggregate classification (germline): Uncertain significance. Review status: criteria provided, multiple submitters, no conflicts (2 of 4 stars). 3 submissions from 3 submitters: Uncertain significance (2). 1 of the submissions does not count toward it. Last evaluated 2023-12-19.

Conditions:
Inborn genetic diseases. Identifiers: MedGen C0950123, MeSH D030342.
Neuronal ceroid lipofuscinosis. Also called: Neuronal Ceroid Lipofuscinoses. Identifiers: Orphanet 216, Orphanet 79263, MedGen C0027877, MONDO:0016295. Disease mechanism: loss of function.
Neuronal ceroid lipofuscinosis 8 (CLN8). Also called: CLN8-Related Neuronal Ceroid-Lipofuscinosis. Identifiers: Orphanet 168491, Orphanet 228354, Orphanet 79264, MedGen C1838570, MONDO:0010830, OMIM 600143.

Allele frequency attached by ClinVar (database versions not stated): gnomAD 0.00001; gnomAD exomes 0.00002 and 0.00004; TOPMed 0.00002.
gnomAD v4.1: 14 of 1,614,104 alleles (0.00087%); highest among the groups gnomAD compares: Admixed American, 0.022%; no homozygotes.

Submissions (3):

Ambry Genetics
Classification: Uncertain significance for Inborn genetic diseases. Last evaluated: 2023-12-19. Review status: criteria provided, single submitter. Criteria: Ambry Variant Classification Scheme 2023. Collection method: clinical testing. Allele origin: germline.

Labcorp Genetics (formerly Invitae), Labcorp
Classification: Uncertain significance for Neuronal ceroid lipofuscinosis. Last evaluated: 2022-07-23. Review status: criteria provided, single submitter. Criteria: Invitae Variant Classification Sherloc (09022015). Collection method: clinical testing. Allele origin: germline.
Comment: This sequence change replaces alanine, which is neutral and non-polar, with valine, which is neutral and non-polar, at codon 239 of the CLN8 protein (p.Ala239Val). This variant is present in population databases (no rsID available, gnomAD 0.03%). This variant has not been reported in the literature in individuals affected with CLN8-related conditions. ClinVar contains an entry for this variant (Variation ID: 949717). Advanced modeling of protein sequence and biophysical properties (such as structural, functional, and spatial information, amino acid conservation, physicochemical variation, residue mobility, and thermodynamic stability) performed at Invitae indicates that this missense variant is not expected to disrupt CLN8 protein function. In summary, the available evidence is currently insufficient to determine the role of this variant in disease. Therefore, it has been classified as a Variant of Uncertain Significance.

Natera, Inc.
Classification: Uncertain significance for Neuronal ceroid lipofuscinosis 8. Last evaluated: 2020-09-09. Review status: no assertion criteria provided. Collection method: clinical testing. Allele origin: germline. Not counted in ClinVar's aggregate classification.